The following is an entry in ClinVar:

ClinVar aggregate classification (germline): Pathogenic (1 of 4 stars; one submission).

Conditions:
Duchenne muscular dystrophy (DMD). Also called: Duchenne Muscular Dystrophy (DMD); MUSCULAR DYSTROPHY, PSEUDOHYPERTROPHIC PROGRESSIVE, DUCHENNE TYPE. Identifiers: Orphanet 98896, MedGen C0013264, MONDO:0010679, OMIM 310200.

Submission:

Labcorp Genetics (formerly Invitae), Labcorp
Classification: Pathogenic for Duchenne muscular dystrophy. Last evaluated: 2022-03-20. Review status: criteria provided, single submitter. Criteria: Invitae Variant Classification Sherloc (09022015). Collection method: clinical testing. Allele origin: germline.
Comment: For these reasons, this variant has been classified as Pathogenic. The region of the DMD gene that includes exon(s) 39-42 has been determined to be clinically significant (Invitae). Therefore, deletions that encompass that region are likely to be disease-causing. This variant has not been reported in the literature in individuals affected with DMD-related conditions. This variant is a gross deletion of the genomic region encompassing exon(s) 33-42 of the DMD gene. This variant would be expected to be in-frame, preserving the integrity of the reading frame.

NC_000023.10:g.(?_32328189)_(32404592_?)del

Gene: DMD (dystrophin; minus strand). Cytogenetic location: Xp21.1.
Variant type: Deletion.
Identifiers: ClinVar variation 2424910 (VCV002424910.5).